The following is an entry in ClinVar:

ClinVar aggregate classification (germline): Pathogenic. Review status: criteria provided, single submitter (1 of 4 stars). 3 submissions from 3 submitters: Pathogenic (1). 2 of the submissions do not count toward it. Last evaluated 2017-12-03.

Conditions:
Primary pulmonary hypertension. Also called: Idiopathic pulmonary hypertension. Identifiers: MedGen C0152171.
Pulmonary hypertension, primary, 1 (PPH1). Also called: Pulmonary hypertension, familial primary, 1, with or without HHT. Identifiers: Orphanet 422, MedGen C4552070, MONDO:0024533, OMIM 178600.

Submissions (3):

Labcorp Genetics (formerly Invitae), Labcorp
Classification: Pathogenic for Primary pulmonary hypertension. Last evaluated: 2017-12-03. Review status: criteria provided, single submitter. Criteria: Invitae Variant Classification Sherloc (09022015). Collection method: clinical testing. Allele origin: germline.
Comment: For these reasons, this variant has been classified as Pathogenic. Loss-of-function variants in BMPR2 are known to be pathogenic (PMID: 16429395). This variant has been reported in several individuals affected with pulmonary arterial hypertension (PMID: 10903931). This variant is also known as K230fsX21 in the literature. This variant is not present in population databases (ExAC no frequency). This sequence change creates a premature translational stop signal (p.Lys230Asnfs*22) in the BMPR2 gene. It is expected to result in an absent or disrupted protein product.

OMIM
Classification: Pathogenic for PULMONARY HYPERTENSION, PRIMARY, 1. Last evaluated: 2000-09-01. Review status: no assertion criteria provided. Collection method: literature only. Allele origin: germline. Not counted in ClinVar's aggregate classification.

Rare Disease Genomics Group, St George's University of London
Classification: Pathogenic for Primary pulmonary hypertension. Review status: no assertion criteria provided. Collection method: literature only. Allele origin: germline. Affected: yes. Not counted in ClinVar's aggregate classification.

Literature cited by the submitters: PubMed 16429395 (cited by Labcorp Genetics (formerly Invitae), Labcorp); PubMed 10903931 (cited by 3 submitters).

NM_001204.7(BMPR2):c.690_691delinsT (p.Lys230fs)

Gene: BMPR2 (bone morphogenetic protein receptor type 2; plus strand). Cytogenetic location: 2q33.2.
Variant type: Indel.
Coding change: c.690_691delinsT on transcript NM_001204.7 (MANE Select); coding-DNA positions 690 to 691, AG replaced by T.
Protein change: p.Lys230fs; shifts the reading frame from lysine 230.
Molecular consequence: frameshift variant.
Genome position (GRCh38, 1-based): chr2:202,518,890-202,518,891, AG replaced by T. VCF-style: chr2-202518890-AG-T. GRCh37 (hg19) VCF-style: chr2-203383613-AG-T.
Other names: c.690_691delinsT, p.K230Nfs*22 (LRG_712t1); short protein forms K230fs.
Identifiers: ClinVar variation 425816 (VCV000425816.7), dbSNP rs1085307253, ClinGen allele CA645293812.